The following is an entry in ClinVar:

NM_003611.3(OFD1):c.1129+16A>G

Gene: OFD1 (OFD1 centriole and centriolar satellite protein; plus strand). Cytogenetic location: Xp22.2.
Variant type: single nucleotide variant.
Coding change: c.1129+16A>G on transcript NM_003611.3 (MANE Select); 16 bases into the intron after coding-DNA position 1129, A replaced by G.
Molecular consequence: intron variant.
Genome position (GRCh38, 1-based): chrX:13,753,457, A>G. VCF-style: chrX-13753457-A-G. GRCh37 (hg19) VCF-style: chrX-13771576-A-G.
Other names: c.709+16A>G (NM_001330210.2); c.1009+16A>G (NM_001330209.2).
Identifiers: ClinVar variation 94370 (VCV000094370.30), dbSNP rs3815049, ClinGen allele CA147781.

ClinVar aggregate classification (germline): Benign. Review status: criteria provided, multiple submitters, no conflicts (2 of 4 stars). 14 submissions from 11 submitters: Benign (10). 4 of the submissions do not count toward it. Last evaluated 2026-02-04.

Conditions:
Joubert syndrome. Also called: JOUBERT-BOLTSHAUSER SYNDROME; Familial aplasia of the vermis. Identifiers: Orphanet 475, MedGen C5979921, MONDO:0018772.
Orofaciodigital syndrome I (OFD1). Also called: OFDS I; Papillon-Leage and Psaume Syndrome; Oral-Facial-Digital Syndrome Type I. Identifiers: Orphanet 2750, MedGen C1510460, MONDO:0010702, OMIM 311200.
Retinitis pigmentosa 23 (RP23). Identifiers: Orphanet 791, MedGen C1419610, MONDO:0010320, OMIM 300424.
Simpson-Golabi-Behmel syndrome type 2. Identifiers: Orphanet 79022, MedGen C1846175, MONDO:0010265, OMIM 300209.
Joubert syndrome 10 (JBTS10). Identifiers: Orphanet 2754, MedGen C2749019, MONDO:0010431, OMIM 300804.

Allele frequency attached by ClinVar (database versions not stated): ExAC 0.33612; 1000 Genomes Project 0.38384; 1000 Genomes Project 30x 0.38772; ESP Exome Variant Server 0.23402; gnomAD 0.28069 and 0.28815; TOPMed 0.31209.
gnomAD v4.1: 334,039 of 1,203,519 alleles (28%); highest among the groups gnomAD compares: Admixed American, 59%; 34,154 homozygotes.

Submissions (14):

Labcorp Genetics (formerly Invitae), Labcorp
Classification: Benign for Orofaciodigital syndrome I; Joubert syndrome. Last evaluated: 2026-02-04. Review status: criteria provided, single submitter. Criteria: Invitae Variant Classification Sherloc (09022015). Collection method: clinical testing. Allele origin: germline.

Blueprint Genetics
Classification: Benign. Last evaluated: 2024-11-28. Review status: criteria provided, single submitter. Criteria: ACMG Guidelines, 2015. Collection method: clinical testing. Allele origin: germline.

Genome-Nilou Lab
Classification: Benign for Retinitis pigmentosa 23. Last evaluated: 2021-09-05. Review status: criteria provided, single submitter. Criteria: ACMG Guidelines, 2015. Collection method: clinical testing. Allele origin: germline. Affected: no.

Genome-Nilou Lab
Classification: Benign for Joubert syndrome 10. Last evaluated: 2021-09-05. Review status: criteria provided, single submitter. Criteria: ACMG Guidelines, 2015. Collection method: clinical testing. Allele origin: germline. Affected: no.

Genome-Nilou Lab
Classification: Benign for Orofaciodigital syndrome I. Last evaluated: 2021-09-05. Review status: criteria provided, single submitter. Criteria: ACMG Guidelines, 2015. Collection method: clinical testing. Allele origin: germline. Affected: no.

Genome-Nilou Lab
Classification: Benign for Simpson-Golabi-Behmel syndrome type 2. Last evaluated: 2021-09-05. Review status: criteria provided, single submitter. Criteria: ACMG Guidelines, 2015. Collection method: clinical testing. Allele origin: germline. Affected: no.

GeneDx
Classification: Benign. Last evaluated: 2015-03-03. Review status: criteria provided, single submitter. Criteria: GeneDx Variant Classification Process June 2021. Collection method: clinical testing. Allele origin: germline. Affected: yes.

Eurofins Ntd Llc (ga)
Classification: Benign. Last evaluated: 2012-12-03. Review status: criteria provided, single submitter. Criteria: EGL Classification Definitions 2015. Collection method: clinical testing. Allele origin: germline. Observed: 2 variant alleles, 1 heterozygote, 1 hemizygote.

Breakthrough Genomics
Classification: Benign. Review status: criteria provided, single submitter. Criteria: ACMG Guidelines, 2015. Collection method: not provided. Allele origin: germline. Inheritance: X-linked inheritance. Affected: yes.

PreventionGenetics, part of Exact Sciences
Classification: Benign. Review status: criteria provided, single submitter. Criteria: ACMG Guidelines, 2015. Collection method: clinical testing. Allele origin: germline.

Clinical Genetics DNA and cytogenetics Diagnostics Lab, Erasmus MC, Erasmus Medical Center
Classification: Benign. Review status: no assertion criteria provided. Collection method: clinical testing. Allele origin: germline. Affected: yes. Study: VKGL Data-share Consensus. Not counted in ClinVar's aggregate classification.

Diagnostic Laboratory, Department of Genetics, University Medical Center Groningen
Classification: Benign. Review status: no assertion criteria provided. Collection method: clinical testing. Allele origin: germline. Affected: yes. Study: VKGL Data-share Consensus. Not counted in ClinVar's aggregate classification.

Genetic Services Laboratory, University of Chicago
Classification: Likely benign. Review status: no assertion criteria provided. Collection method: clinical testing. Allele origin: germline. Inheritance: X-linked inheritance. Not counted in ClinVar's aggregate classification.
Comment: Likely benign based on allele frequency in 1000 Genomes Project or ESP global frequency and its presence in a patient with a rare or unrelated disease phenotype. NOT Sanger confirmed

Joint Genome Diagnostic Labs from Nijmegen and Maastricht, Radboudumc and MUMC+
Classification: Benign. Review status: no assertion criteria provided. Collection method: clinical testing. Allele origin: germline. Affected: yes. Study: VKGL Data-share Consensus. Not counted in ClinVar's aggregate classification.